The following is an entry in ClinVar:

ClinVar aggregate classification (germline): Uncertain significance. Review status: criteria provided, multiple submitters, no conflicts (2 of 4 stars). 2 submissions from 2 submitters: Uncertain significance (2). Last evaluated 2024-02-01.

Conditions:
Inborn genetic diseases. Identifiers: MedGen C0950123, MeSH D030342.

Submissions (2):

Labcorp Genetics (formerly Invitae), Labcorp
Classification: Uncertain significance. Last evaluated: 2024-02-01. Review status: criteria provided, single submitter. Criteria: Invitae Variant Classification Sherloc (09022015). Collection method: clinical testing. Allele origin: germline.
Comment: This sequence change replaces leucine, which is neutral and non-polar, with phenylalanine, which is neutral and non-polar, at codon 498 of the TRPV6 protein (p.Leu498Phe). This variant is not present in population databases (gnomAD no frequency). This variant has not been reported in the literature in individuals affected with TRPV6-related conditions. ClinVar contains an entry for this variant (Variation ID: 2305286). Experimental studies and prediction algorithms are not available or were not evaluated, and the functional significance of this variant is currently unknown. In summary, the available evidence is currently insufficient to determine the role of this variant in disease. Therefore, it has been classified as a Variant of Uncertain Significance.

Ambry Genetics
Classification: Uncertain significance for Inborn genetic diseases. Last evaluated: 2022-08-03. Review status: criteria provided, single submitter. Criteria: Ambry Variant Classification Scheme 2023. Collection method: clinical testing. Allele origin: germline.

NM_018646.6(TRPV6):c.1492C>T (p.Leu498Phe)

Gene: TRPV6 (transient receptor potential cation channel subfamily V member 6; minus strand). Cytogenetic location: 7q34.
Variant type: single nucleotide variant.
Coding change: c.1492C>T on transcript NM_018646.6 (MANE Select); coding-DNA position 1492, C replaced by T.
Protein change: p.Leu498Phe; replaces leucine 498 with phenylalanine.
Molecular consequence: missense variant.
Genome position (GRCh38, 1-based): chr7:142,874,571, G>A on the plus strand (C>T on the coding strand, the complement: TRPV6 is on the minus strand). VCF-style: chr7-142874571-G-A. GRCh37 (hg19) VCF-style: chr7-142572324-G-A.
Other names: short protein forms L498F.
Identifiers: ClinVar variation 2305286 (VCV002305286.4), dbSNP rs2486197768, ClinGen allele CA369630800.
Genomic context (GRCh38, chr7:142,874,571, plus strand): 5'-AGGGGCCTAGCATCTGGAATCCTCGGGCGAAGTACATGACGTTGCACCAGCCCAGCACGA[G>A]TGCAAAGGACATGGGTACCACCTCCCCGCTGGCACTGATGAGCCGCATCACCATGGTCAC-3'
Protein context (NP_061116.5, residues 488-508): SGEVVPMSFA[Leu498Phe]VLGWCNVMYF